The following is an entry in ClinVar:

NM_000181.4(GUSB):c.979C>T (p.Arg327Cys)

Gene: GUSB (glucuronidase beta; minus strand). Cytogenetic location: 7q11.21.
Variant type: single nucleotide variant.
Coding change: c.979C>T on transcript NM_000181.4 (MANE Select); coding-DNA position 979, C replaced by T.
Protein change: p.Arg327Cys; replaces arginine 327 with cysteine.
Molecular consequence: missense variant. On other transcripts: non-coding transcript variant (1).
Genome position (GRCh38, 1-based): chr7:65,975,005, G>A on the plus strand (C>T on the coding strand, the complement: GUSB is on the minus strand). VCF-style: chr7-65975005-G-A. GRCh37 (hg19) VCF-style: chr7-65439992-G-A.
Other names: c.541C>T, p.Arg181Cys (NM_001284290.2); c.409C>T, p.Arg137Cys (NM_001293104.2); c.322C>T, p.Arg108Cys (NM_001293105.2); short protein forms R137C, R181C, R327C, R108C.
Identifiers: ClinVar variation 2074237 (VCV002074237.3), dbSNP rs1363900325, ClinGen allele CA367644916.

ClinVar aggregate classification (germline): Uncertain significance. Review status: criteria provided, multiple submitters, no conflicts (2 of 4 stars). 3 submissions from 3 submitters: Uncertain significance (3). Last evaluated 2026-05-07.

Conditions:
Mucopolysaccharidosis type 7 (MPS7). Also called: BETA-GLUCURONIDASE DEFICIENCY; GUSB DEFICIENCY; SLY SYNDROME; MPS VII. Identifiers: Orphanet 584, MedGen C0085132, MONDO:0009662, OMIM 253220.

Allele frequency attached by ClinVar (database versions not stated): gnomAD exomes 0.00001; TOPMed below 0.00001.
gnomAD v4.1: 12 of 1,612,982 alleles (0.00074%); highest among the groups gnomAD compares: East Asian, 0.0045%; no homozygotes.

Submissions (3):

Women's Health and Genetics/Laboratory Corporation of America, LabCorp
Classification: Uncertain significance. Last evaluated: 2026-05-07. Review status: criteria provided, single submitter. Criteria: LabCorp Variant Classification Summary - May 2015. Collection method: clinical testing. Allele origin: germline.
Comment: Variant summary: GUSB c.979C>T (p.Arg327Cys) results in a non-conservative amino acid change in the encoded protein sequence. Algorithms developed to predict the effect of missense changes on protein structure and function all suggest that this variant is likely to be disruptive. The variant allele was found at a frequency of 4e-06 in 251122 control chromosomes. c.979C>T has been observed in a homozygous state in at-least one individual affected with nonimmune hydrops fetalis (El-Dessouky_2025). These data indicate that the variant may be associated with disease. To our knowledge, no experimental evidence demonstrating an impact on protein function has been reported. The following publication has been ascertained in the context of this evaluation (PMID: 39891418). The following publication has been ascertained in the context of this evaluation (PMID: 39891418). ClinVar contains an entry for this variant (Variation ID: 2074237). Based on the evidence outlined above, the variant was classified as VUS-possibly pathogenic.

Labcorp Genetics (formerly Invitae), Labcorp
Classification: Uncertain significance for Mucopolysaccharidosis type 7. Last evaluated: 2022-05-03. Review status: criteria provided, single submitter. Criteria: Invitae Variant Classification Sherloc (09022015). Collection method: clinical testing. Allele origin: germline.
Comment: This sequence change replaces arginine, which is basic and polar, with cysteine, which is neutral and slightly polar, at codon 327 of the GUSB protein (p.Arg327Cys). This variant is present in population databases (no rsID available, gnomAD 0.003%). This variant has not been reported in the literature in individuals affected with GUSB-related conditions. Algorithms developed to predict the effect of missense changes on protein structure and function are either unavailable or do not agree on the potential impact of this missense change (SIFT: "Deleterious"; PolyPhen-2: "Probably Damaging"; Align-GVGD: "Class C0"). In summary, the available evidence is currently insufficient to determine the role of this variant in disease. Therefore, it has been classified as a Variant of Uncertain Significance.

Kasturba Medical College, Manipal, Kasturba Medical College, Manipal, Manipal Academy of Higher Education, Manipal, India
Classification: Uncertain significance for Mucopolysaccharidosis type 7. Review status: criteria provided, single submitter. Criteria: ACMG Guidelines, 2015. Collection method: research. Allele origin: biparental. Inheritance: Autosomal recessive inheritance. Affected: yes. Observed: 1 homozygote.
Comment: The above-mentioned variant is present in 12 individuals in heterozygous state (allele frequency: 0.000007440) in the gnomAD population database (v4.1.0) and absent from our in-house exome data of 3419 individuals. The variant is present in ClinVar database with a single entry (Variation ID: VCV002074237.1) with no further details. In silico tools (CADD, GERP, Mutation Taster, Revel, and ClinPred) predict the variant to be disease causing resulting in the formation of non-functional protein.

Literature cited by the submitters: PubMed 39891418 (cited by Women's Health and Genetics/Laboratory Corporation of America, LabCorp).